The following is an entry in ClinVar:

ClinVar aggregate classification (germline): Uncertain significance (1 of 4 stars; one submission).

gnomAD v4.1: 10 of 1,584,714 alleles (0.00063%); highest among the groups gnomAD compares: Non-Finnish European, 0.00069%; no homozygotes.

Submission:

Labcorp Genetics (formerly Invitae), Labcorp
Classification: Uncertain significance. Last evaluated: 2024-03-30. Review status: criteria provided, single submitter. Criteria: Invitae Variant Classification Sherloc (09022015). Collection method: clinical testing. Allele origin: germline.
Comment: This sequence change falls in intron 13 of the JAK2 gene. It does not directly change the encoded amino acid sequence of the JAK2 protein. It affects a nucleotide within the consensus splice site. This variant is present in population databases (rs773586896, gnomAD 0.002%). This variant has not been reported in the literature in individuals affected with JAK2-related conditions. Variants that disrupt the consensus splice site are a relatively common cause of aberrant splicing (PMID: 17576681, 9536098). Algorithms developed to predict the effect of sequence changes on RNA splicing suggest that this variant may disrupt the consensus splice site. In summary, the available evidence is currently insufficient to determine the role of this variant in disease. Therefore, it has been classified as a Variant of Uncertain Significance.

Literature cited by the submitters: PubMed 17576681; PubMed 9536098.

NM_004972.4(JAK2):c.1776+5G>A

Genes: INSL6 (insulin like 6; minus strand), JAK2 (Janus kinase 2; plus strand). Cytogenetic location: 9p24.1.
Variant type: single nucleotide variant.
Coding change: c.1776+5G>A on transcript NM_004972.4 (MANE Select); 5 bases into the intron after coding-DNA position 1776, G replaced by A.
Molecular consequence: intron variant.
Genome position (GRCh38, 1-based): chr9:5,072,631, G>A. VCF-style: chr9-5072631-G-A. GRCh37 (hg19) VCF-style: chr9-5072631-G-A.
Other names: c.1776+5G>A (NM_001322194.2, NM_001322195.2, NM_001322196.2); c.561+5G>A (NM_001322198.2, NM_001322199.2); c.1329+5G>A (NM_001322204.2).
Identifiers: ClinVar variation 3605632 (VCV003605632.2).